The following is an entry in ClinVar:

NC_000006.11:g.(?_106756239)_(107365536_?)dup

Genes: ATG5 (autophagy related 5; minus strand), CRYBG1 (crystallin beta-gamma domain containing 1; plus strand), MTRES1 (mitochondrial transcription rescue factor 1; plus strand), QRSL1 (glutaminyl-tRNA amidotransferase subunit QRSL1; plus strand), RTN4IP1 (reticulon 4 interacting protein 1; minus strand). Cytogenetic location: 6q21.
Variant type: Duplication.
Identifiers: ClinVar variation 1004592 (VCV001004592.5).

ClinVar aggregate classification (germline): Uncertain significance (1 of 4 stars; one submission).

Submission:

Labcorp Genetics (formerly Invitae), Labcorp
Classification: Uncertain significance. Last evaluated: 2023-08-17. Review status: criteria provided, single submitter. Criteria: Invitae Variant Classification Sherloc (09022015). Collection method: clinical testing. Allele origin: germline.
Comment: This variant has not been reported in the literature in individuals affected with RTN4IP1-related conditions. In summary, the available evidence is currently insufficient to determine the role of this variant in disease. Therefore, it has been classified as a Variant of Uncertain Significance. A copy number gain of the genomic region encompassing the full coding sequence of the RTN4IP1 gene has been identified. The boundaries of this event are unknown as they extend beyond the assayed region for this gene and therefore may encompass additional genes. As the precise location of this event is unknown, it may be in tandem or it may be located elsewhere in the genome.